The following is an entry in ClinVar:

ClinVar aggregate classification (germline): Uncertain significance (1 of 4 stars; one submission).

Conditions:
Cardiovascular phenotype. Identifiers: MedGen CN230736.

Allele frequency attached by ClinVar (database versions not stated): gnomAD exomes below 0.00001.
gnomAD v4.1: 1 of 1,614,176 alleles (0.000062%); highest among the groups gnomAD compares: Non-Finnish European, 0.000085%; no homozygotes.

Submission:

Ambry Genetics
Classification: Uncertain significance for Cardiovascular phenotype. Last evaluated: 2026-09-11. Review status: criteria provided, single submitter. Criteria: Ambry Variant Classification Scheme 2023. Collection method: clinical testing. Allele origin: germline.
Comment: The p.A1154V variant (also known as c.3461C>T), located in coding exon 22 of the APOB gene, results from a C to T substitution at nucleotide position 3461. The alanine at codon 1154 is replaced by valine, an amino acid with similar properties. This amino acid position is conserved. In addition, this alteration is predicted to be tolerated by in silico analysis. Based on the available evidence, the clinical significance of this variant remains unclear.

NM_000384.3(APOB):c.3461C>T (p.Ala1154Val)

Gene: APOB (apolipoprotein B; minus strand). Cytogenetic location: 2p24.1.
Variant type: single nucleotide variant.
Coding change: c.3461C>T on transcript NM_000384.3 (MANE Select); coding-DNA position 3461, C replaced by T.
Protein change: p.Ala1154Val; replaces alanine 1154 with valine.
Molecular consequence: missense variant.
Genome position (GRCh38, 1-based): chr2:21,015,417, G>A on the plus strand (C>T on the coding strand, the complement: APOB is on the minus strand). VCF-style: chr2-21015417-G-A. GRCh37 (hg19) VCF-style: chr2-21238289-G-A.
Other names: short protein forms A1154V.
Identifiers: ClinVar variation 2545776 (VCV002545776.3), dbSNP rs2465387976, ClinGen allele CA346009034.